The following is an entry in ClinVar:

ClinVar aggregate classification (germline): Uncertain significance. Review status: criteria provided, multiple submitters, no conflicts (2 of 4 stars). 2 submissions from 2 submitters: Uncertain significance (2). Last evaluated 2025-04-28.

Conditions:
Hereditary breast ovarian cancer syndrome. Also called: Hereditary breast and ovarian cancer; Hereditary breast and ovarian cancer syndrome (HBOC); Breast and ovarian cancer; Hereditary breast and/or ovarian cancer syndrome; BRCA1- and BRCA2-Associated Hereditary Breast and Ovarian Cancer; Hereditary breast and ovarian cancer syndrome. Identifiers: Orphanet 145, MedGen C0677776, MeSH D061325, MONDO:0003582. Disease mechanism: loss of function.

Submissions (3):

Quest Diagnostics Nichols Institute San Juan Capistrano
Classification: Uncertain significance. Last evaluated: 2025-04-28. Review status: criteria provided, single submitter. Criteria: Quest Diagnostics criteria. Collection method: clinical testing. Allele origin: unknown.
Comment: The BRCA1 c.5165C>G (p.Ser1722Cys) variant has not been reported in individuals with BRCA1-related conditions in the published literature. A published functional study demonstrated that this variant retained functional activity in a large-scale study using a haploid cell line (PMID: 30209399 (2018)). It also has not been reported in large, multi-ethnic general populations (Genome Aggregation Database). Analysis of this variant using bioinformatics tools for the prediction of the effect of amino acid changes on protein structure and function yielded conflicting predictions that this variant is deleterious or benign. Based on the available information, we are unable to determine the clinical significance of this variant.

Labcorp Genetics (formerly Invitae), Labcorp
Classification: Uncertain significance for Hereditary breast ovarian cancer syndrome. Last evaluated: 2025-04-14. Review status: criteria provided, single submitter. Criteria: Invitae Variant Classification Sherloc (09022015). Collection method: clinical testing. Allele origin: germline.
Comment: This sequence change replaces serine, which is neutral and polar, with cysteine, which is neutral and slightly polar, at codon 1722 of the BRCA1 protein (p.Ser1722Cys). This variant is not present in population databases (gnomAD no frequency). This variant has not been reported in the literature in individuals affected with BRCA1-related conditions. ClinVar contains an entry for this variant (Variation ID: 868766). Invitae Evidence Modeling incorporating data from in vitro experimental studies (PMID: 30209399) indicates that this missense variant is not expected to disrupt BRCA1 function with a negative predictive value of 95%. Experimental studies have shown that this missense change does not substantially affect BRCA1 function (PMID: 30209399). This variant disrupts the p.Ser1722 amino acid residue in BRCA1. Other variant(s) that disrupt this residue have been determined to be pathogenic (PMID: 12496477, 20516115, 22476429, 25085752, 30093976). This suggests that this residue is clinically significant, and that variants that disrupt this residue are likely to be disease-causing. In summary, the available evidence is currently insufficient to determine the role of this variant in disease. Therefore, it has been classified as a Variant of Uncertain Significance.

Brotman Baty Institute, University of Washington
No classification provided (evidence only). Condition: Breast-ovarian cancer, familial 1. Review status: no classification provided. Collection method: in vitro. Allele origin: not applicable. Functional consequence: functionally_normal. Not counted in ClinVar's aggregate classification.
ClinVar note: "not provided" was previously submitted as the classification for the variant. However, the classification appeared to be based only on an observation of functional data so it was converted to no classification on 2025-07-30.

Literature cited by the submitters: PubMed 30209399 (cited by Quest Diagnostics Nichols Institute San Juan Capistrano and Labcorp Genetics (formerly Invitae), Labcorp); PubMed 12496477 (cited by Labcorp Genetics (formerly Invitae), Labcorp); PubMed 20516115 (cited by Labcorp Genetics (formerly Invitae), Labcorp); PubMed 22476429 (cited by Labcorp Genetics (formerly Invitae), Labcorp); PubMed 25085752 (cited by Labcorp Genetics (formerly Invitae), Labcorp); PubMed 30093976 (cited by Labcorp Genetics (formerly Invitae), Labcorp).

NM_007294.4(BRCA1):c.5165C>G (p.Ser1722Cys)

Gene: BRCA1 (BRCA1 DNA repair associated; minus strand). Cytogenetic location: 17q21.31.
Variant type: single nucleotide variant.
Coding change: c.5165C>G on transcript NM_007294.4 (MANE Select); coding-DNA position 5165, C replaced by G.
Protein change: p.Ser1722Cys; replaces serine 1722 with cysteine.
Molecular consequence: missense variant. On other transcripts: non-coding transcript variant (1).
Genome position (GRCh38, 1-based): chr17:43,063,361, G>C on the plus strand (C>G on the coding strand, the complement: BRCA1 is on the minus strand). VCF-style: chr17-43063361-G-C. GRCh37 (hg19) VCF-style: chr17-41215378-G-C.
Other names: c.4952C>G, p.Ser1651Cys (NM_001407571.1, NM_001407900.1, NM_001407902.1 and 12 more transcripts); c.5231C>G, p.Ser1744Cys (NM_001407581.1, NM_001407582.1); c.5228C>G, p.Ser1743Cys (NM_001407583.1, NM_001407585.1, NM_001407587.1 and 1 more transcripts); c.5225C>G, p.Ser1742Cys (NM_001407590.1, NM_001407591.1); c.5165C>G, p.Ser1722Cys (NM_001407593.1, NM_001407594.1, NM_001407596.1 and 7 more transcripts); c.5162C>G, p.Ser1721Cys (NM_001407610.1, NM_001407611.1, NM_001407612.1 and 17 more transcripts); c.5159C>G, p.Ser1720Cys (NM_001407629.1, NM_001407630.1, NM_001407631.1 and 14 more transcripts); c.5105C>G, p.Ser1702Cys (NM_001407649.1); and 72 more; short protein forms S1743C, S1722C, S618C, S1675C, S1553C, S1595C, S1633C, S1634C.
Identifiers: ClinVar variation 868766 (VCV000868766.13), dbSNP rs80357104, ClinGen allele CA10591214.